The following is an entry in ClinVar:

ClinVar aggregate classification (germline): Uncertain significance. Review status: criteria provided, multiple submitters, no conflicts (2 of 4 stars). 2 submissions from 2 submitters: Uncertain significance (2). Last evaluated 2025-03-11.

Conditions:
Shprintzen-Goldberg syndrome (SGS). Also called: SHPRINTZEN-GOLDBERG CRANIOSYNOSTOSIS SYNDROME; CRANIOSYNOSTOSIS WITH ARACHNODACTYLY AND ABDOMINAL HERNIAS; Marfanoid disorder with craniosynostosis type 1; Marfanoid craniosynostosis syndrome; Shprintzen-Goldberg marfanoid syndrome. Identifiers: Orphanet 2462, MedGen C1321551, MONDO:0008426, OMIM 182212.

Submissions (2):

GeneDx
Classification: Uncertain significance. Last evaluated: 2025-03-11. Review status: criteria provided, single submitter. Criteria: GeneDx Variant Classification Process June 2021. Collection method: clinical testing. Allele origin: germline. Affected: yes.
Comment: Not observed at significant frequency in large population cohorts (gnomAD); In silico analysis supports that this missense variant has a deleterious effect on protein structure/function; Has not been previously published as pathogenic or benign to our knowledge

Labcorp Genetics (formerly Invitae), Labcorp
Classification: Uncertain significance for Shprintzen-Goldberg syndrome. Last evaluated: 2021-10-23. Review status: criteria provided, single submitter. Criteria: Invitae Variant Classification Sherloc (09022015). Collection method: clinical testing. Allele origin: germline.
Comment: In summary, the available evidence is currently insufficient to determine the role of this variant in disease. Therefore, it has been classified as a Variant of Uncertain Significance. Advanced modeling of protein sequence and biophysical properties (such as structural, functional, and spatial information, amino acid conservation, physicochemical variation, residue mobility, and thermodynamic stability) performed at Invitae indicates that this missense variant is not expected to disrupt SKI protein function. This variant has not been reported in the literature in individuals affected with SKI-related conditions. The frequency data for this variant in the population databases is considered unreliable, as metrics indicate insufficient coverage at this position in the ExAC database. This sequence change replaces glutamic acid with glycine at codon 707 of the SKI protein (p.Glu707Gly). The glutamic acid residue is moderately conserved and there is a moderate physicochemical difference between glutamic acid and glycine.

NM_003036.4(SKI):c.2120A>G (p.Glu707Gly)

Gene: SKI (SKI proto-oncogene; plus strand). Cytogenetic location: 1p36.32.
Variant type: single nucleotide variant.
Coding change: c.2120A>G on transcript NM_003036.4 (MANE Select); coding-DNA position 2120, A replaced by G.
Protein change: p.Glu707Gly; replaces glutamic acid 707 with glycine.
Molecular consequence: missense variant.
Genome position (GRCh38, 1-based): chr1:2,306,698, A>G. VCF-style: chr1-2306698-A-G. GRCh37 (hg19) VCF-style: chr1-2238137-A-G.
Other names: c.2120A>G (NM_003036.3); short protein forms E707G.
Identifiers: ClinVar variation 1422525 (VCV001422525.7), dbSNP rs2100926034, ClinGen allele CA337959786.